The following is an entry in ClinVar:

NM_206926.2(SELENON):c.671del (p.Met224fs)

Gene: SELENON (selenoprotein N; plus strand). Cytogenetic location: 1p36.11.
Variant type: Deletion.
Coding change: c.671del on transcript NM_206926.2 (MANE Select); coding-DNA position 671, one base deleted (T; older notation c.671delT).
Protein change: p.Met224fs; shifts the reading frame from methionine 224.
Molecular consequence: frameshift variant.
Genome position (GRCh38, 1-based): chr1:25,809,051, T deleted. VCF-style (leftmost placement, unchanged base first): chr1-25809050-AT-A. GRCh37 (hg19) VCF-style: chr1-26135541-AT-A.
Other names: c.773del, p.Met258fs (NM_020451.3); short protein forms M224fs, M258fs.
Identifiers: ClinVar variation 1704255 (VCV001704255.3), dbSNP rs2524983904, ClinGen allele CA2580062604.

ClinVar aggregate classification (germline): Pathogenic (0 of 4 stars; one submission).

Conditions:
Eichsfeld type congenital muscular dystrophy (CMYO3). Also called: Rigid spine muscular dystrophy 1; SELENON-related myopathy; Congenital myopathy 3 with rigid spine; MYOPATHY, SEPN1-RELATED. Identifiers: MedGen C0410180, MONDO:0100100, OMIM 602771.

Submission:

Research Center for Molecular Medicine, Hamadan University of medical science
Classification: Pathogenic for Eichsfeld type congenital muscular dystrophy. Last evaluated: 2022-09-07. Review status: no assertion criteria provided. Collection method: research. Allele origin: inherited. Inheritance: Autosomal recessive inheritance. Affected: yes. Observed: 1 homozygote.
Comment: The SEPN1 gene contains 13 exons and encodes selenoprotein N, encompassing transmembrane domain, EF-hand domain (Ca2+-interacting region), thioredoxin domain, and SCUG motif (Chernorudskiy et al., 2020; Zhu et al., 2021). So far, many frameshift mutations have been reported in different exons of the SEPN1 gene causing rigid spine muscular dystrophy 1 (RSMD1) (Fan et al., 2022). c.773delT(p.M258Sf*8) variant in exon 5 may lead to nonsense-mediated mRNA decay (NMD) and cause the manifestation of RSMD1 clinical features. This homozygous variant in our patient meets the criteria to be classified as pathogenic based on segregation analysis and mode of inheritance.

Literature cited by the submitters: DOI 10.3389/fgene.2022.825793.